The following is an entry in ClinVar:

Conditions:
Long QT syndrome 5 (LQT5). Identifiers: Orphanet 101016, Orphanet 768, MedGen C1867904, MONDO:0013372, OMIM 613695.

Submission:

Roden Lab, Vanderbilt University Medical Center
No classification provided (evidence only). Condition: Long QT syndrome 5. Review status: no classification provided. Collection method: in vitro. Allele origin: not applicable. Functional consequence: Effect on ion channel function.
ClinVar note: "not provided" was previously submitted as the classification for the variant. However, the classification appeared to be based only on an observation of functional data so it was converted to no classification on 2025-07-30.

NM_000219.6(KCNE1):c.85G>T (p.Gly29Cys)

Gene: KCNE1 (potassium voltage-gated channel subfamily E regulatory subunit 1; minus strand). Cytogenetic location: 21q22.12.
Variant type: single nucleotide variant.
Coding change: c.85G>T on transcript NM_000219.6 (MANE Select); coding-DNA position 85, G replaced by T.
Protein change: p.Gly29Cys; replaces glycine 29 with cysteine.
Molecular consequence: missense variant.
Genome position (GRCh38, 1-based): chr21:34,449,550, C>A on the plus strand (G>T on the coding strand, the complement: KCNE1 is on the minus strand). VCF-style: chr21-34449550-C-A. GRCh37 (hg19) VCF-style: chr21-35821848-C-A.
Other names: c.85G>T, p.Gly29Cys (NM_001127668.4, NM_001127669.4, NM_001127670.4 and 4 more transcripts); short protein forms G29C.
Identifiers: ClinVar variation 3374007 (VCV003374007.2).